The following is an entry in ClinVar:

NM_000152.5(GAA):c.1781G>A (p.Arg594His)

Gene: GAA (alpha glucosidase; plus strand). Cytogenetic location: 17q25.3.
Variant type: single nucleotide variant.
Coding change: c.1781G>A on transcript NM_000152.5 (MANE Select); coding-DNA position 1781, G replaced by A.
Protein change: p.Arg594His; replaces arginine 594 with histidine.
Molecular consequence: missense variant.
Genome position (GRCh38, 1-based): chr17:80,112,604, G>A. VCF-style: chr17-80112604-G-A. GRCh37 (hg19) VCF-style: chr17-78086403-G-A.
Other names: NM_001079804.3:c.1781G>A; c.1781G>A (NM_000152.4); c.1781G>A, p.Arg594His (NM_001079803.3, NM_001079804.3); short protein forms R594H.
Identifiers: ClinVar variation 972747 (VCV000972747.18), dbSNP rs775450536, ClinGen allele CA8815477.

ClinVar aggregate classification (germline): Pathogenic. Review status: reviewed by expert panel (3 of 4 stars). 8 submissions from 8 submitters: Pathogenic (1). 7 of the submissions do not count toward it. Last evaluated 2026-02-03.

Conditions:
Glycoprotein storage disease. Identifiers: MedGen C1856275, MONDO:0009296, OMIM 232900.
Glycogen storage disease, type II (IOPD). Also called: Glucosidase acid-1,4-alpha deficiency; Pompe Disease; CARDIOMEGALIA GLYCOGENICA DIFFUSA; GLYCOGENOSIS, GENERALIZED, CARDIAC FORM; GSD II; POMPE DISEASE, INFANTILE-ONSET. Identifiers: Orphanet 365, MedGen C0017921, MONDO:0009290, OMIM 232300.

Allele frequency attached by ClinVar (database versions not stated): TOPMed below 0.00001.
gnomAD v4.1: 11 of 1,612,944 alleles (0.00068%); highest among the groups gnomAD compares: South Asian, 0.0022%; no homozygotes.

Submissions (8):

ClinGen Lysosomal Storage Disorder Variant Curation Expert Panel
Classification: Pathogenic for Glycogen storage disease, type II. Last evaluated: 2026-02-03. Review status: reviewed by expert panel. Criteria: clingen_lsd_acmg_specifications_v2-1. Collection method: curation. Allele origin: germline. Inheritance: Autosomal recessive inheritance.
Comment: The NM_000152.5:c.1781G>A variant in GAA is a missense variant predicted to result in substitution of arginine by histidine at amino acid 594 (p.Arg594His). At least 7 patients with this variant have been reported including two with documented laboratory values showing deficiency of GAA activity (Clinical Diagnostic Laboratory, PMID 33073003) (meeting PP4_Moderate), two on enzyme replacement therapy (meeting PP4 (PMID: 27711114, 30022036), and additional patients reported to have Pompe disease (PMID: 24444888, 25526786, 25998610, 27711114, 30022036, 30155607 ) or identified by newborn screen (PMID: 26889246) (PP4_Moderate). At least five probands are compound heterozygous for another variant in GAA that has been classified by the ClinGen Lysosomal Diseases VCEP as pathogenic or likely pathogenic for Pompe disease, including c.-32-13T>G, phase unknown (PMID: 27711114, 30022036; 0.5 points), c.1935C>A (p.Asp645Glu), phase unknown (PMID: 24444888; 0.5 points), c.1194+5G>A, phase unknown (2 patients, could be related) (PMID: 25998610, 27711114, 30022036; 0.25 points), c.1562A>T (p.Glu521Val) (PMID: 25526786; 0.25 points -note that this variant is LP if the allelic data from this patient is not included in the classification of p.Glu521Val), and another pathogenic variant (Clinical Diagnostic Laboratory, 0.5 points). Total 2.0 points (PM3_Strong). In addition, two patients are compound heterozygous for the variant and another variant in GAA including c.1194+3G>C (PMID: 33073003) and c.1190C>T (p.Pro397Leu) (PMID: 30155607). The allelic data for these patients will be used in the classification of the other variant and is not included here to avoid circular logic. When expressed in COS cells, this variant was classified as Class B ("potentially less severe") by Kroos et al, 2012 (PMID: 22644586). This includes 0.1% GAA activity in cells and 1.4% in medium, and evidence of abnormal synthesis and processing on Western blot (PS3_Moderate). The computational predictor REVEL gives a score of 0.927 which is above the threshold of 0.7, evidence that correlates with impact to GAA function (PP3). The highest population minor allele frequency in a continental population in gnomAD v4.1.0. is 0.00002196 (2/91072 alleles) in the South Asian population; the highest population minor allele frequency in any population is 0.0000338) in Ashkenazi Jewish (1/29590). This is lower than the ClinGen LD VCEP threshold (<0.001) for PM2_Supporting, meeting this criterion (PM2_Supporting). Another missense variant, c.1781G>C (p.Arg594Pro), at the same position has been reported in individuals with Pompe disease. The classification of c.1781G>A (p.Arg594His) will be used to support the classification of p.Arg594Pro. Therefore, to avoid circular logic, PM5 was not applied. In summary, this variant meets the criteria to be classified as pathogenic for Pompe disease. GAA-specific ACMG-AMP criteria applied, as specified by the ClinGen Lysosomal Disorders Variant Curation Expert Panel (Specifications Version 2.0.0): PM3_Strong, PS3_Moderate, PP4_Moderate, PP3, PM2_Supporting. (Classification approved by the ClinGen ClinGen Lysosomal Disorders Variant Curation Expert Panel on February 3, 2026).

Genomenon, Inc
Classification: Likely pathogenic for Glycogen storage disease, type II. Last evaluated: 2026-07-01. Review status: criteria provided, single submitter. Criteria: Genomenon Sequence Variant Interpretation Standards - Updated. Collection method: curation. Allele origin: germline. Affected: yes. Not counted in ClinVar's aggregate classification.
Comment: GAA p.Arg594His (c.1781G>A) is a missense variant that changes the amino acid at codon 594 from Arginine to Histidine. This variant has been observed in at least one proband with a GAA-related disorder in the compound heterozygous and/or homozygous state (PMID:38715621;33073003;27711114;24444888). At least one functional study has demonstrated a substantial alteration in protein function relative to the wild-type (PMID:22644586). It is absent or not present at a significant frequency in gnomAD. In silico models predict that this variant is possibly or probably damaging. In conclusion, we classify GAA p.Arg594His (c.1781G>A) as a likely pathogenic variant.

Labcorp Genetics (formerly Invitae), Labcorp
Classification: Pathogenic for Glycogen storage disease, type II. Last evaluated: 2026-01-13. Review status: criteria provided, single submitter. Criteria: Invitae Variant Classification Sherloc (09022015). Collection method: clinical testing. Allele origin: germline. Not counted in ClinVar's aggregate classification.
Comment: This sequence change replaces arginine, which is basic and polar, with histidine, which is basic and polar, at codon 594 of the GAA protein (p.Arg594His). This variant is present in population databases (rs775450536, gnomAD 0.01%). This missense change has been observed in individuals with Pompe disease (PMID: 22644586, 24444888, 25526786). ClinVar contains an entry for this variant (Variation ID: 972747). Invitae Evidence Modeling of protein sequence and biophysical properties (such as structural, functional, and spatial information, amino acid conservation, physicochemical variation, residue mobility, and thermodynamic stability) indicates that this missense variant is expected to disrupt GAA protein function with a positive predictive value of 95%. Experimental studies have shown that this missense change affects GAA function (PMID: 22644586). This variant disrupts the p.Arg594 amino acid residue in GAA. Other variant(s) that disrupt this residue have been determined to be pathogenic (PMID: 19588081, 30564623). This suggests that this residue is clinically significant, and that variants that disrupt this residue are likely to be disease-causing. For these reasons, this variant has been classified as Pathogenic.

Dasa
Classification: Likely pathogenic. Last evaluated: 2025-08-28. Review status: criteria provided, single submitter. Criteria: DASA Assertion Criteria. Collection method: clinical testing. Allele origin: germline. Not counted in ClinVar's aggregate classification.
Comment: NM_000152.5(GAA):c.1781G>A (p.Arg594His) is a missense variant that results in the substitution of arginine with histidine. This variant has been recurrently observed in individuals with GAA-related disorders (PMID: 27711114; PMID: 30022036; PMID: 24444888; PMID: 25998610). Functional evidence supports an impact on the gene or gene product (PMID: 27711114; PMID: 30022036; PMID: 24444888; PMID: 25998610; PMID: 33073003). Also, this variant is rare in population databases. Computational evidence supports a deleterious effect. Based on the currently available evidence, this variant is classified as likely pathogenic.

Natera, Inc.
Classification: Likely pathogenic for Glycogen storage disease type II. Last evaluated: 2025-06-01. Review status: criteria provided, single submitter. Criteria: Natera Variant Classification Schema (03/2026). Collection method: clinical testing. Allele origin: germline. Not counted in ClinVar's aggregate classification.
Comment: The c.1781G>A variant in GAA is a missense variant predicted to cause substitution of arginine to histidine at amino acid 594. This variant is rare in the general population with a frequency below the threshold expected for the associated phenotype(s). This variant has been observed in one or more individuals affected with the associated recessive disease, as either homozygous or compound heterozygous with a second variant (PMID: 25526786, 24444888, 30022036, 30155607). Functional studies show that this variant may disrupt protein function (PMID: 22644586). Computational prediction algorithms indicate this variant is likely to affect gene or protein function. Given the available evidence, this variant is classified as Likely Pathogenic.

Fulgent Genetics
Classification: Likely pathogenic for Glycogen storage disease, type II. Last evaluated: 2024-05-10. Review status: criteria provided, single submitter. Criteria: ACMG Guidelines, 2015. Collection method: clinical testing. Allele origin: germline. Not counted in ClinVar's aggregate classification.

Revvity Omics, Revvity
Classification: Pathogenic. Last evaluated: 2023-08-03. Review status: criteria provided, single submitter. Criteria: ACMG Guidelines, 2015. Collection method: clinical testing. Allele origin: germline. Not counted in ClinVar's aggregate classification.

Broad Center for Mendelian Genomics, Broad Institute of MIT and Harvard
Classification: Pathogenic for Glycoprotein storage disease. Last evaluated: 2020-01-22. Review status: criteria provided, single submitter. Criteria: ACMG Guidelines, 2015. Collection method: curation. Allele origin: germline. Inheritance: Autosomal recessive inheritance. Not counted in ClinVar's aggregate classification.
Comment: The p.Arg594His variant in GAA has been reported in four individuals with glycogen storage disease II (PMID: 24444888, 30155607, 25526786, 22644586) and has been identified in 0.010% (1/9994) of Ashkenazi Jewish chromosomes and 0.001% (1/111938) of European (non-Finnish chromosomes) by the Genome Aggregation Database (gnomAD; dbSNP rs775450536). Although this variant has been seen in the general population, its frequency is low enough to be consistent with a recessive carrier frequency. In vitro functional studies using COS-7 cells and medium transfected with the variant provide some evidence that the p.Arg594His variant may impact protein function (PMID: 22644586). However, these types of assays may not accurately represent biological function. The phenotype of an individual heterozygous for this variant is highly specific for glycogen storage disease II based on GAA enzyme activity being <2% of wild type, consistent with disease (PMID: 24444888). Computational prediction tools and conservation analyses suggest that this variant may impact the protein, though this information is not predictive enough to determine pathogenicity. The presence of this variant in combination with reported pathogenic variant p.Asp645Glu (VariationID: 4029, PMID: 24444888) and in an individual with glycogen storage disease II increases the likelihood that the p.Arg594His variant is pathogenic. In summary, this variant meets criteria to be classified as pathogenic for glycogen storage disease II in an autosomal recessive manner based on in vitro functional studies, low frequency in the general population, and an occurrence with another pathogenic variant in an affected individual. ACMG/AMP Criteria applied: PS3, PM2, PM5_supporting, PM3_supporting, PP3, PP4 (Richards 2015).

Literature cited by the submitters: PubMed 38715621 (cited by Genomenon, Inc); PubMed 33073003 (cited by Genomenon, Inc and Dasa); PubMed 27711114 (cited by Genomenon, Inc and Dasa); PubMed 24444888 (cited by 5 submitters); PubMed 22644586 (cited by 5 submitters); PubMed 25526786 (cited by 3 submitters); PubMed 19588081 (cited by Labcorp Genetics (formerly Invitae), Labcorp); PubMed 30564623 (cited by Labcorp Genetics (formerly Invitae), Labcorp); PubMed 30022036 (cited by Dasa and Natera, Inc.); PubMed 25998610 (cited by Dasa); PubMed 30155607 (cited by Natera, Inc. and Broad Center for Mendelian Genomics, Broad Institute of MIT and Harvard).